The following is an entry in ClinVar:

NM_024757.5(EHMT1):c.2513A>G (p.Glu838Gly)

Gene: EHMT1 (euchromatic histone lysine methyltransferase 1; plus strand). Cytogenetic location: 9q34.3.
Variant type: single nucleotide variant.
Coding change: c.2513A>G on transcript NM_024757.5 (MANE Select); coding-DNA position 2513, A replaced by G.
Protein change: p.Glu838Gly; replaces glutamic acid 838 with glycine.
Molecular consequence: missense variant.
Genome position (GRCh38, 1-based): chr9:137,798,820, A>G. VCF-style: chr9-137798820-A-G. GRCh37 (hg19) VCF-style: chr9-140693272-A-G.
Other names: c.2492A>G, p.Glu831Gly (NM_001354263.2); short protein forms E831G, E838G.
Identifiers: ClinVar variation 2635345 (VCV002635345.1), dbSNP rs1953187312, ClinGen allele CA375787953.

ClinVar aggregate classification (germline): Uncertain significance (1 of 4 stars; one submission).

Conditions:
EHMT1-related disorder. Also called: EHMT1-related condition.

Submission:

PreventionGenetics, part of Exact Sciences
Classification: Uncertain significance for EHMT1-related condition. Last evaluated: 2022-10-24. Review status: criteria provided, single submitter. Criteria: ACMG Guidelines, 2015. Collection method: clinical testing. Allele origin: germline.
Comment: The EHMT1 c.2513A>G variant is predicted to result in the amino acid substitution p.Glu838Gly. To our knowledge, this variant has not been reported in the literature or in a large population database, indicating this variant is rare. At this time, the clinical significance of this variant is uncertain due to the absence of conclusive functional and genetic evidence.